The following is an entry in ClinVar:

NM_017831.4(RNF125):c.122T>C (p.Leu41Pro)

Genes: RNF125 (ring finger protein 125; plus strand), LOC121852963 (Sharpr-MPRA regulatory region 13938; plus strand). Cytogenetic location: 18q12.1.
Variant type: single nucleotide variant.
Coding change: c.122T>C on transcript NM_017831.4 (MANE Select); coding-DNA position 122, T replaced by C.
Protein change: p.Leu41Pro; replaces leucine 41 with proline.
Molecular consequence: missense variant.
Genome position (GRCh38, 1-based): chr18:32,018,985, T>C. VCF-style: chr18-32018985-T-C. GRCh37 (hg19) VCF-style: chr18-29598948-T-C.
Other names: short protein forms L41P.
Identifiers: ClinVar variation 436546 (VCV000436546.8), dbSNP rs979916916, ClinGen allele CA298311646.

ClinVar aggregate classification (germline): Conflicting classifications of pathogenicity. Review status: criteria provided, conflicting classifications (1 of 4 stars). 3 submissions from 3 submitters: Uncertain significance (2); Likely benign (1). Last evaluated 2024-08-05.

Conditions:
Inborn genetic diseases. Identifiers: MedGen C0950123, MeSH D030342.
RNF125-related disorder. Also called: RNF125-related condition.

Allele frequency attached by ClinVar (database versions not stated): gnomAD 0.00001 and 0.00002; TOPMed 0.00002; gnomAD exomes 0.00001 and 0.00004.
gnomAD v4.1: 70 of 1,613,532 alleles (0.0043%); highest among the groups gnomAD compares: Non-Finnish European, 0.0053%; no homozygotes.

Submissions (3):

Ambry Genetics
Classification: Uncertain significance for Inborn genetic diseases. Last evaluated: 2024-08-05. Review status: criteria provided, single submitter. Criteria: Ambry Variant Classification Scheme 2023. Collection method: clinical testing. Allele origin: germline.

PreventionGenetics, part of Exact Sciences
Classification: Uncertain significance for RNF125-related condition. Last evaluated: 2023-01-13. Review status: criteria provided, single submitter. Criteria: ACMG Guidelines, 2015. Collection method: clinical testing. Allele origin: germline.
Comment: The RNF125 c.122T>C variant is predicted to result in the amino acid substitution p.Leu41Pro. To our knowledge, this variant has not been reported in the literature. This variant is reported in 0.0031% of alleles in individuals of European (Non-Finnish) descent in gnomAD. At this time, the clinical significance of this variant is uncertain due to the absence of conclusive functional and genetic evidence.

Genetic Services Laboratory, University of Chicago
Classification: Likely benign. Last evaluated: 2017-06-16. Review status: criteria provided, single submitter. Criteria: ACMG Guidelines, 2015. Collection method: clinical testing. Allele origin: germline. Affected: no.